The following is an entry in ClinVar:

NM_014319.5(LEMD3):c.602G>A (p.Arg201Lys)

Gene: LEMD3 (LEM domain containing 3; plus strand). Cytogenetic location: 12q14.3.
Variant type: single nucleotide variant.
Coding change: c.602G>A on transcript NM_014319.5 (MANE Select); coding-DNA position 602, G replaced by A.
Protein change: p.Arg201Lys; replaces arginine 201 with lysine.
Molecular consequence: missense variant.
Genome position (GRCh38, 1-based): chr12:65,170,198, G>A. VCF-style: chr12-65170198-G-A. GRCh37 (hg19) VCF-style: chr12-65563978-G-A.
Other names: c.602G>A, p.Arg201Lys (NM_001167614.2); short protein forms R201K.
Identifiers: ClinVar variation 1915934 (VCV001915934.5), dbSNP rs944108444, ClinGen allele CA238907701.
Genomic context (GRCh38, chr12:65,170,198, plus strand): 5'-AGGTGACTAACAGCAACTCTGCAGAGCGAAGGAAGCCCCACTCGTGGTGGGGGGCCAGGA[G>A]GCCGGCGGGCCCCGAGCTGCAGACCCCGCCGGGGAAAGATGGAGCAGTGGAGGACGAGGA-3'
Protein context (NP_055134.2, residues 191-211): RKPHSWWGAR[Arg201Lys]PAGPELQTPP

ClinVar aggregate classification (germline): Uncertain significance (1 of 4 stars; one submission).

Allele frequency attached by ClinVar (database versions not stated): gnomAD 0.00001.

Submission:

Labcorp Genetics (formerly Invitae), Labcorp
Classification: Uncertain significance. Last evaluated: 2024-02-17. Review status: criteria provided, single submitter. Criteria: Invitae Variant Classification Sherloc (09022015). Collection method: clinical testing. Allele origin: germline.
Comment: This sequence change replaces arginine, which is basic and polar, with lysine, which is basic and polar, at codon 201 of the LEMD3 protein (p.Arg201Lys). This variant is not present in population databases (gnomAD no frequency). This variant has not been reported in the literature in individuals affected with LEMD3-related conditions. ClinVar contains an entry for this variant (Variation ID: 1915934). Advanced modeling of protein sequence and biophysical properties (such as structural, functional, and spatial information, amino acid conservation, physicochemical variation, residue mobility, and thermodynamic stability) performed at Invitae indicates that this missense variant is not expected to disrupt LEMD3 protein function with a negative predictive value of 80%. In summary, the available evidence is currently insufficient to determine the role of this variant in disease. Therefore, it has been classified as a Variant of Uncertain Significance.